The following is an entry in ClinVar:

ClinVar aggregate classification (germline): Uncertain significance (1 of 4 stars; one submission).

Conditions:
Cardiomyopathy (CMYO). Also called: Cardiomyopathies. Identifiers: Orphanet 167848, MedGen C0878544, MONDO:0004994, HP:0001638. Inheritance: Various modes of inheritance.

Submission:

Color Diagnostics, LLC DBA Color Health
Classification: Uncertain significance for Cardiomyopathy. Last evaluated: 2025-07-14. Review status: criteria provided, single submitter. Criteria: ACMG Guidelines, 2015. Collection method: clinical testing. Allele origin: germline.
Comment: This missense variant replaces serine with arginine at codon 1843 of the MYH7 protein. Computational prediction suggests that this variant may not impact protein structure and function. To our knowledge, functional studies have not been reported for this variant. This variant has not been reported in individuals affected with MYH7-related disorders in the literature. This variant has not been identified in the general population by the Genome Aggregation Database (gnomAD). The available evidence is insufficient to determine the role of this variant in disease conclusively. Therefore, this variant is classified as a Variant of Uncertain Significance.

NM_000257.4(MYH7):c.5529C>A (p.Ser1843Arg)

Gene: MYH7 (myosin heavy chain 7; minus strand). Cytogenetic location: 14q11.2.
Variant type: single nucleotide variant.
Coding change: c.5529C>A on transcript NM_000257.4 (MANE Select); coding-DNA position 5529, C replaced by A.
Protein change: p.Ser1843Arg; replaces serine 1843 with arginine.
Molecular consequence: missense variant.
Genome position (GRCh38, 1-based): chr14:23,415,025, G>T on the plus strand (C>A on the coding strand, the complement: MYH7 is on the minus strand). VCF-style: chr14-23415025-G-T. GRCh37 (hg19) VCF-style: chr14-23884234-G-T.
Other names: c.5529C>A, p.Ser1843Arg (NM_001407004.1); short protein forms S1843R.
Identifiers: ClinVar variation 4758881 (VCV004758881.1).
Genomic context (GRCh38, chr14:23,415,025, plus strand): 5'-GGCTCTGCCTGGAGTCACCGCCCGTCGCACCTGGTAGGTGAGCTCCTTGATGCGCCGCTC[G>T]CTCTTCCTCATGCCCTTCACCGACTCTGCGTTGCGCTTCTGCTCGGCCTCCAGCTCATTC-3'
Protein context (NP_000248.2, residues 1833-1853): NAESVKGMRK[Ser1843Arg]ERRIKELTYQ